The following is an entry in ClinVar:

ClinVar aggregate classification (germline): Pathogenic (1 of 4 stars; one submission).

Submission:

Labcorp Genetics (formerly Invitae), Labcorp
Classification: Pathogenic. Last evaluated: 2021-05-25. Review status: criteria provided, single submitter. Criteria: Invitae Variant Classification Sherloc (09022015). Collection method: clinical testing. Allele origin: germline.
Comment: For these reasons, this variant has been classified as Pathogenic. Algorithms developed to predict the effect of sequence changes on RNA splicing suggest that this variant may disrupt the consensus splice site, but this prediction has not been confirmed by published transcriptional studies. Disruption of this splice site has been observed in individual(s) with retinitis pigmentosa (Invitae, external communication). In at least one individual the data is consistent with the variant being in trans (on the opposite chromosome) from a pathogenic variant. This variant is not present in population databases (ExAC no frequency). This sequence change affects a donor splice site in intron 39 of the EYS gene. It is expected to disrupt RNA splicing. Variants that disrupt the donor or acceptor splice site typically lead to a loss of protein function (PMID: 16199547), and loss-of-function variants in EYS are known to be pathogenic (PMID: 18836446, 20333770).

Literature cited by the submitters: PubMed 16199547; PubMed 18836446; PubMed 20333770.

NM_001142800.2(EYS):c.7723+2T>G

Gene: EYS (EGF-like photoreceptor maintenance factor; minus strand). Cytogenetic location: 6q12.
Variant type: single nucleotide variant.
Coding change: c.7723+2T>G on transcript NM_001142800.2 (MANE Select); the canonical splice donor site of the intron after coding-DNA position 7723, T replaced by G.
Molecular consequence: splice donor variant.
Genome position (GRCh38, 1-based): chr6:63,788,103, A>C on the plus strand (T>G on the coding strand, the complement: EYS is on the minus strand). VCF-style: chr6-63788103-A-C. GRCh37 (hg19) VCF-style: chr6-64497996-A-C.
Other names: c.7723+2T>G (NM_001292009.2).
Identifiers: ClinVar variation 1373926 (VCV001373926.8), dbSNP rs2149670301, ClinGen allele CA364384657.